The following is an entry in ClinVar:

ClinVar aggregate classification (germline): Uncertain significance. Review status: criteria provided, multiple submitters, no conflicts (2 of 4 stars). 2 submissions from 2 submitters: Uncertain significance (2). Last evaluated 2026-07-31.

Conditions:
Marfan syndrome (MFS). Also called: MARFAN SYNDROME, TYPE I; Marfan syndrome, classic; FBN1-Related Marfan Syndrome; Marfan syndrome type 1; Marfan's syndrome. Identifiers: Orphanet 284963, Orphanet 558, MedGen C0024796, MONDO:0007947, OMIM 154700.
Familial thoracic aortic aneurysm and aortic dissection (TAAD). Also called: Thoracic aortic aneurysms and dissections. Identifiers: Orphanet 91387, MedGen C4707243, MONDO:0019625.

gnomAD v4.1: 1 of 1,613,902 alleles (0.000062%); highest among the groups gnomAD compares: Admixed American, 0.0017%; no homozygotes.

Submissions (2):

Ambry Genetics
Classification: Uncertain significance for Familial thoracic aortic aneurysm and aortic dissection. Last evaluated: 2026-07-31. Review status: criteria provided, single submitter. Criteria: Ambry Variant Classification Scheme 2023. Collection method: clinical testing. Allele origin: germline.
Comment: The p.V456I variant (also known as c.1366G>A), located in coding exon 11 of the FBN1 gene, results from a G to A substitution at nucleotide position 1366. The valine at codon 456 is replaced by isoleucine, an amino acid with highly similar properties. This amino acid position is conserved. In addition, this alteration is predicted to be tolerated by in silico analysis. Based on the available evidence, the clinical significance of this variant remains unclear.

All of Us Research Program, National Institutes of Health
Classification: Uncertain significance for Marfan syndrome. Last evaluated: 2024-03-24. Review status: criteria provided, single submitter. Criteria: ACMG Guidelines, 2015. Collection method: clinical testing. Allele origin: germline. Inheritance: Autosomal dominant inheritance. Observed: 1 variant allele, 1 heterozygote.
Comment: This missense variant replaces valine with isoleucine at codon 456 of the FBN1 protein. Computational prediction suggests that this variant may not impact protein structure and function (internally defined REVEL score threshold <= 0.5, PMID: 27666373). To our knowledge, functional studies have not been reported for this variant. This variant has not been reported in individuals affected with FBN1-related disorders in the literature. This variant has not been identified in the general population by the Genome Aggregation Database (gnomAD). The available evidence is insufficient to determine the role of this variant in disease conclusively. Therefore, this variant is classified as a Variant of Uncertain Significance.

This study involves interpretation of variants in research participants for the purpose of population health screening. Participant phenotype was not available at the time of variant classification. Additional details can be found in publication PMID: 35346344, PMCID: PMC8962531

NM_000138.5(FBN1):c.1366G>A (p.Val456Ile)

Gene: FBN1 (fibrillin 1; minus strand). Cytogenetic location: 15q21.1.
Variant type: single nucleotide variant.
Coding change: c.1366G>A on transcript NM_000138.5 (MANE Select); coding-DNA position 1366, G replaced by A.
Protein change: p.Val456Ile; replaces valine 456 with isoleucine.
Molecular consequence: missense variant.
Genome position (GRCh38, 1-based): chr15:48,515,489, C>T on the plus strand (G>A on the coding strand, the complement: FBN1 is on the minus strand). VCF-style: chr15-48515489-C-T. GRCh37 (hg19) VCF-style: chr15-48807686-C-T.
Other names: c.1366G>A, p.Val456Ile (NM_001406716.1); short protein forms V456I.
Identifiers: ClinVar variation 3386853 (VCV003386853.2).